The following is an entry in ClinVar:

ClinVar aggregate classification (germline): Likely pathogenic (1 of 4 stars; one submission).

Conditions:
Hypertrophic cardiomyopathy. Also called: HYPERTROPHIC MYOCARDIOPATHY. Identifiers: Orphanet 217569, MedGen C0007194, MeSH D002312, MONDO:0005045, HP:0001639.

Submission:

Labcorp Genetics (formerly Invitae), Labcorp
Classification: Likely pathogenic for Hypertrophic cardiomyopathy. Last evaluated: 2022-06-14. Review status: criteria provided, single submitter. Criteria: Invitae Variant Classification Sherloc (09022015). Collection method: clinical testing. Allele origin: germline.
Comment: In summary, the currently available evidence indicates that the variant is pathogenic, but additional data are needed to prove that conclusively. Therefore, this variant has been classified as Likely Pathogenic. This variant has not been reported in the literature in individuals affected with MYBPC3-related conditions. This variant results in the deletion of part of exon 20 (c.1907_1927+87del) of the MYBPC3 gene. It is expected to disrupt RNA splicing. Variants that disrupt the donor or acceptor splice site typically lead to a loss of protein function (PMID: 16199547), and loss-of-function variants in MYBPC3 are known to be pathogenic (PMID: 19574547).

Literature cited by the submitters: PubMed 16199547; PubMed 19574547.

NC_000011.9:g.(?_47362467)_(47362574_?)del

Gene: MYBPC3 (myosin binding protein C3; minus strand). Cytogenetic location: 11p11.2.
Variant type: Deletion.
Identifiers: ClinVar variation 2422688 (VCV002422688.3).